The following is an entry in ClinVar:

NM_000092.5(COL4A4):c.3974-12dup

Gene: COL4A4 (collagen type IV alpha 4 chain; minus strand). Cytogenetic location: 2q36.3.
Variant type: Duplication.
Coding change: c.3974-12dup on transcript NM_000092.5 (MANE Select); 12 bases into the intron before coding-DNA position 3974, one base duplicated (T; older notation c.3974-12dupT).
Molecular consequence: intron variant.
Genome position (GRCh38, 1-based): chr2:227,028,013, A duplicated on the plus strand (T on the coding strand, the reverse complement: COL4A4 is on the minus strand); the first of 9 consecutive A bases (chr2:227,028,013-227,028,021); duplicating any one gives the same sequence. VCF-style (leftmost placement, unchanged base first): chr2-227028012-T-TA. GRCh37 (hg19) VCF-style: chr2-227892728-T-TA.
Other names: c.3974-4dupT (NM_000092.5); c.3974-4dup (NM_000092.5).
Identifiers: ClinVar variation 1164783 (VCV001164783.15), dbSNP rs200823182, ClinGen allele CA2144359.

ClinVar aggregate classification (germline): Benign/Likely benign. Review status: criteria provided, multiple submitters, no conflicts (2 of 4 stars). 5 submissions from 5 submitters: Benign (1); Likely benign (3). 1 of the submissions does not count toward it. Last evaluated 2026-06-30.

Conditions:
Alport syndrome. Also called: Hemorrhagic familial nephritis; Hemorrhagic hereditary nephritis; Congenital hereditary hematuria. Identifiers: Orphanet 63, MedGen C1567741, MONDO:0018965.

Submissions (5):

Women's Health and Genetics/Laboratory Corporation of America, LabCorp
Classification: Likely benign. Last evaluated: 2026-06-30. Review status: criteria provided, single submitter. Criteria: LabCorp Variant Classification Summary - May 2015. Collection method: clinical testing. Allele origin: germline.
Comment: Variant summary: COL4A4 c.3974-4dupT alters a non-conserved nucleotide located at a position not widely known to affect splicing. Consensus agreement among computation tools predict no significant impact on normal splicing. However, these predictions have yet to be confirmed by functional studies. The frequency data for this variant in gnomAD is considered unreliable, as metrics indicate poor data quality at this position. c.3974-4dupT has been observed in one individual affected with early onset nephropathy, wihtout strong evidenece for causality (Doreille_2023, Serre_2024). These report(s) do not provide unequivocal conclusions about association of the variant with disease. To our knowledge, no experimental evidence demonstrating an impact on protein function has been reported. The following publications have been ascertained in the context of this evaluation (PMID: 36938085, 38471460). ClinVar contains an entry for this variant (Variation ID: 1164783). Based on the evidence outlined above, the variant was classified as likely benign.

Labcorp Genetics (formerly Invitae), Labcorp
Classification: Benign. Last evaluated: 2026-01-29. Review status: criteria provided, single submitter. Criteria: Invitae Variant Classification Sherloc (09022015). Collection method: clinical testing. Allele origin: germline.

Blueprint Genetics
Classification: Likely benign. Last evaluated: 2024-11-26. Review status: criteria provided, single submitter. Criteria: ACMG Guidelines, 2015. Collection method: clinical testing. Allele origin: germline.

GeneDx
Classification: Likely benign. Last evaluated: 2019-02-11. Review status: criteria provided, single submitter. Criteria: GeneDx Variant Classification Process June 2021. Collection method: clinical testing. Allele origin: germline. Affected: yes.

Natera, Inc.
Classification: Likely benign for Alport syndrome. Last evaluated: 2019-09-27. Review status: no assertion criteria provided. Collection method: clinical testing. Allele origin: germline. Not counted in ClinVar's aggregate classification.

Literature cited by the submitters: PubMed 36938085 (cited by Women's Health and Genetics/Laboratory Corporation of America, LabCorp); PubMed 38471460 (cited by Women's Health and Genetics/Laboratory Corporation of America, LabCorp).